The following is an entry in ClinVar:

NM_000349.3(STAR):c.*1524A>G

Gene: STAR (steroidogenic acute regulatory protein; minus strand). Cytogenetic location: 8p11.23.
Variant type: single nucleotide variant.
Coding change: c.*1524A>G on transcript NM_000349.3 (MANE Select); 1524 bases downstream of the stop codon, A replaced by G.
Molecular consequence: 3 prime UTR variant.
Genome position (GRCh38, 1-based): chr8:38,142,749, T>C on the plus strand (A>G on the coding strand, the complement: STAR is on the minus strand). VCF-style: chr8-38142749-T-C. GRCh37 (hg19) VCF-style: chr8-38000267-T-C.
Identifiers: ClinVar variation 362826 (VCV000362826.5), dbSNP rs3990403, ClinGen allele CA10630911.

ClinVar aggregate classification (germline): Benign (1 of 4 stars; one submission).

Conditions:
Congenital lipoid adrenal hyperplasia due to STAR deficency. Also called: ADRENAL HYPERPLASIA I; Cholesterol monooxygenase (side-chain cleaving) deficiency; Congenital Lipoid Adrenal Hyperplasia; Lipoid adrenal hyperplasia. Identifiers: Orphanet 418, Orphanet 90790, MedGen C0342474, MONDO:0008725, OMIM 201710.

Allele frequency attached by ClinVar (database versions not stated): 1000 Genomes Project 30x 0.54997; 1000 Genomes Project 0.55052; TOPMed 0.69816; gnomAD 0.70257 and 0.70953.
gnomAD v4.1: 106,883 of 151,702 alleles (70%); highest among the groups gnomAD compares: Middle Eastern, 88%; 39,865 homozygotes.

Submission:

Illumina Laboratory Services, Illumina
Classification: Benign for Congenital lipoid adrenal hyperplasia due to STAR deficency. Last evaluated: 2018-01-12. Review status: criteria provided, single submitter. Criteria: ICSL Variant Classification Criteria 13 December 2019. Collection method: clinical testing. Allele origin: germline.
Comment: This variant was observed in the ICSL laboratory as part of a predisposition screen in an ostensibly healthy population. It had not been previously curated by ICSL or reported in the Human Gene Mutation Database (HGMD: prior to June 1st, 2018), and was therefore a candidate for classification through an automated scoring system. Utilizing variant allele frequency, disease prevalence and penetrance estimates, and inheritance mode, an automated score was calculated to assess if this variant is too frequent to cause the disease. Based on the score and internal cut-off values, a variant classified as benign is not then subjected to further curation. The score for this variant resulted in a classification of benign for this disease.